The following is an entry in ClinVar:

ClinVar aggregate classification (germline): Uncertain significance. Review status: criteria provided, multiple submitters, no conflicts (2 of 4 stars). 3 submissions from 3 submitters: Uncertain significance (2). 1 of the submissions does not count toward it. Last evaluated 2025-05-27.

Conditions:
Inborn genetic diseases. Identifiers: MedGen C0950123, MeSH D030342.
Cognitive impairment - coarse facies - heart defects - obesity - pulmonary involvement - short stature - skeletal dysplasia syndrome. Also called: Chops syndrome; AFF4-Related CHOPS Syndrome; COGNITIVE IMPAIRMENT, COARSE FACIES, HEART DEFECTS, OBESITY, PULMONARY INVOLVEMENT, SHORT STATURE, AND SKELETAL DYSPLASIA. Identifiers: Orphanet 444077, MedGen C4085597, MONDO:0014609, OMIM 616368.
AFF4-related disorder. Also called: AFF4-related condition.

Allele frequency attached by ClinVar (database versions not stated): ExAC 0.00003; gnomAD 0.00006; TOPMed 0.00006.
gnomAD v4.1: 82 of 1,613,906 alleles (0.0051%); highest among the groups gnomAD compares: Non-Finnish European, 0.0066%; no homozygotes.

Submissions (3):

Ambry Genetics
Classification: Uncertain significance for Inborn genetic diseases. Last evaluated: 2025-05-27. Review status: criteria provided, single submitter. Criteria: Ambry Variant Classification Scheme 2023. Collection method: clinical testing. Allele origin: germline.

Labcorp Genetics (formerly Invitae), Labcorp
Classification: Uncertain significance for Cognitive impairment - coarse facies - heart defects - obesity - pulmonary involvement - short stature - skeletal dysplasia syndrome. Last evaluated: 2025-05-05. Review status: criteria provided, single submitter. Criteria: Invitae Variant Classification Sherloc (09022015). Collection method: clinical testing. Allele origin: germline.
Comment: This sequence change replaces proline, which is neutral and non-polar, with arginine, which is basic and polar, at codon 661 of the AFF4 protein (p.Pro661Arg). This variant is present in population databases (rs767370581, gnomAD 0.008%). This variant has not been reported in the literature in individuals affected with AFF4-related conditions. ClinVar contains an entry for this variant (Variation ID: 2074388). Invitae Evidence Modeling of protein sequence and biophysical properties (such as structural, functional, and spatial information, amino acid conservation, physicochemical variation, residue mobility, and thermodynamic stability) indicates that this missense variant is not expected to disrupt AFF4 protein function with a negative predictive value of 80%. In summary, the available evidence is currently insufficient to determine the role of this variant in disease. Therefore, it has been classified as a Variant of Uncertain Significance.

PreventionGenetics, part of Exact Sciences
Classification: Likely benign for AFF4-related condition. Last evaluated: 2024-03-13. Review status: no assertion criteria provided. Collection method: clinical testing. Allele origin: germline. Not counted in ClinVar's aggregate classification.
Comment: This variant is classified as likely benign based on ACMG/AMP sequence variant interpretation guidelines (Richards et al. 2015 PMID: 25741868, with internal and published modifications).

NM_014423.4(AFF4):c.1982C>G (p.Pro661Arg)

Gene: AFF4 (ALF transcription elongation factor 4; minus strand). Cytogenetic location: 5q31.1.
Variant type: single nucleotide variant.
Coding change: c.1982C>G on transcript NM_014423.4 (MANE Select); coding-DNA position 1982, C replaced by G.
Protein change: p.Pro661Arg; replaces proline 661 with arginine.
Molecular consequence: missense variant.
Genome position (GRCh38, 1-based): chr5:132,896,648, G>C on the plus strand (C>G on the coding strand, the complement: AFF4 is on the minus strand). VCF-style: chr5-132896648-G-C. GRCh37 (hg19) VCF-style: chr5-132232340-G-C.
Other names: short protein forms P661R.
Identifiers: ClinVar variation 2074388 (VCV002074388.5), dbSNP rs767370581, ClinGen allele CA3409019.